The following is an entry in ClinVar:

NM_001253697.2(ERBIN):c.3578C>T (p.Pro1193Leu)

Gene: ERBIN (erbb2 interacting protein; plus strand). Cytogenetic location: 5q12.3.
Variant type: single nucleotide variant.
Coding change: c.3578C>T on transcript NM_001253697.2 (MANE Select); coding-DNA position 3578, C replaced by T.
Protein change: p.Pro1193Leu; replaces proline 1193 with leucine.
Molecular consequence: missense variant.
Genome position (GRCh38, 1-based): chr5:66,054,896, C>T. VCF-style: chr5-66054896-C-T. GRCh37 (hg19) VCF-style: chr5-65350724-C-T.
Other names: c.3578C>T, p.Pro1193Leu (NM_001006600.3, NM_001253698.2, NM_001253699.2 and 1 more transcripts); c.3566C>T, p.Pro1189Leu (NM_001253701.2); short protein forms P1189L, P1193L.
Identifiers: ClinVar variation 1356382 (VCV001356382.8), dbSNP rs375152600, ClinGen allele CA359870133.

ClinVar aggregate classification (germline): Uncertain significance (1 of 4 stars; one submission).

gnomAD v4.1: 1 of 1,613,790 alleles (0.000062%); highest among the groups gnomAD compares: Non-Finnish European, 0.000085%; no homozygotes.

Submission:

Labcorp Genetics (formerly Invitae), Labcorp
Classification: Uncertain significance. Last evaluated: 2020-10-26. Review status: criteria provided, single submitter. Criteria: Invitae Variant Classification Sherloc (09022015). Collection method: clinical testing. Allele origin: germline.
Comment: This variant has not been reported in the literature in individuals with ERBIN-related conditions. In summary, the available evidence is currently insufficient to determine the role of this variant in disease. Therefore, it has been classified as a Variant of Uncertain Significance. Algorithms developed to predict the effect of missense changes on protein structure and function are either unavailable or do not agree on the potential impact of this missense change (SIFT: "Deleterious"; PolyPhen-2: "Probably Damaging"; Align-GVGD: "Class C0"). This variant is not present in population databases (ExAC no frequency). This sequence change replaces proline with leucine at codon 1193 of the ERBIN protein (p.Pro1193Leu). The proline residue is moderately conserved and there is a moderate physicochemical difference between proline and leucine.